The following is an entry in ClinVar:

NM_002335.4(LRP5):c.4753T>C (p.Ser1585Pro)

Gene: LRP5 (LDL receptor related protein 5; plus strand). Cytogenetic location: 11q13.2.
Variant type: single nucleotide variant.
Coding change: c.4753T>C on transcript NM_002335.4 (MANE Select); coding-DNA position 4753, T replaced by C.
Protein change: p.Ser1585Pro; replaces serine 1585 with proline.
Molecular consequence: missense variant.
Genome position (GRCh38, 1-based): chr11:68,448,975, T>C. VCF-style: chr11-68448975-T-C. GRCh37 (hg19) VCF-style: chr11-68216443-T-C.
Other names: c.3010T>C, p.Ser1004Pro (NM_001291902.2); short protein forms S1585P, S1004P.
Identifiers: ClinVar variation 2094102 (VCV002094102.4), dbSNP rs749670287, ClinGen allele CA6150498.

ClinVar aggregate classification (germline): Uncertain significance (1 of 4 stars; one submission).

Allele frequency attached by ClinVar (database versions not stated): ExAC 0.00001; gnomAD 0.00001; gnomAD exomes 0.00001.
gnomAD v4.1: 4 of 1,611,214 alleles (0.00025%); highest among the groups gnomAD compares: African/African-American, 0.004%; no homozygotes.

Submission:

Labcorp Genetics (formerly Invitae), Labcorp
Classification: Uncertain significance. Last evaluated: 2022-02-06. Review status: criteria provided, single submitter. Criteria: Invitae Variant Classification Sherloc (09022015). Collection method: clinical testing. Allele origin: germline.
Comment: This sequence change replaces serine, which is neutral and polar, with proline, which is neutral and non-polar, at codon 1585 of the LRP5 protein (p.Ser1585Pro). The frequency data for this variant in the population databases is considered unreliable, as metrics indicate poor data quality at this position in the gnomAD database. This variant has not been reported in the literature in individuals affected with LRP5-related conditions. Advanced modeling of protein sequence and biophysical properties (such as structural, functional, and spatial information, amino acid conservation, physicochemical variation, residue mobility, and thermodynamic stability) performed at Invitae indicates that this missense variant is expected to disrupt LRP5 protein function. In summary, the available evidence is currently insufficient to determine the role of this variant in disease. Therefore, it has been classified as a Variant of Uncertain Significance.